The following is an entry in ClinVar:

ClinVar aggregate classification (germline): Uncertain significance (1 of 4 stars; one submission).

Conditions:
CHARGE syndrome (CHARGE). Also called: Hittner Hirsch Kreh syndrome; CHARGE ASSOCIATION--COLOBOMA, HEART ANOMALY, CHOANAL ATRESIA, RETARDATION, GENITAL AND EAR ANOMALIES; Coloboma, heart anomaly, choanal atresia, retardation, genital and ear anomalies; CHARGE association; Hall-Hittner syndrome. Identifiers: Orphanet 138, MedGen C0265354, MONDO:0008965.

Allele frequency attached by ClinVar (database versions not stated): gnomAD 0.00001; gnomAD exomes 0.00001; TOPMed 0.00001.
gnomAD v4.1: 7 of 1,613,220 alleles (0.00043%); highest among the groups gnomAD compares: Non-Finnish European, 0.00059%; no homozygotes.

Submission:

Labcorp Genetics (formerly Invitae), Labcorp
Classification: Uncertain significance for CHARGE syndrome. Last evaluated: 2024-06-21. Review status: criteria provided, single submitter. Criteria: Invitae Variant Classification Sherloc (09022015). Collection method: clinical testing. Allele origin: germline.
Comment: This sequence change replaces threonine, which is neutral and polar, with alanine, which is neutral and non-polar, at codon 621 of the SEMA3E protein (p.Thr621Ala). This variant is not present in population databases (gnomAD no frequency). This variant has not been reported in the literature in individuals affected with SEMA3E-related conditions. Algorithms developed to predict the effect of missense changes on protein structure and function output the following: SIFT: "Not Available"; PolyPhen-2: "Benign"; Align-GVGD: "Not Available". The alanine amino acid residue is found in multiple mammalian species, which suggests that this missense change does not adversely affect protein function. In summary, the available evidence is currently insufficient to determine the role of this variant in disease. Therefore, it has been classified as a Variant of Uncertain Significance.

NM_012431.3(SEMA3E):c.1861A>G (p.Thr621Ala)

Gene: SEMA3E (semaphorin 3E; minus strand). Cytogenetic location: 7q21.11.
Variant type: single nucleotide variant.
Coding change: c.1861A>G on transcript NM_012431.3 (MANE Select); coding-DNA position 1861, A replaced by G.
Protein change: p.Thr621Ala; replaces threonine 621 with alanine.
Molecular consequence: missense variant.
Genome position (GRCh38, 1-based): chr7:83,385,308, T>C on the plus strand (A>G on the coding strand, the complement: SEMA3E is on the minus strand). VCF-style: chr7-83385308-T-C. GRCh37 (hg19) VCF-style: chr7-83014624-T-C.
Other names: c.1681A>G, p.Thr561Ala (NM_001178129.2); short protein forms T561A, T621A.
Identifiers: ClinVar variation 2915336 (VCV002915336.3), dbSNP rs1252418845, ClinGen allele CA367921681.